The following is an entry in ClinVar:

ClinVar aggregate classification (germline): Uncertain significance (1 of 4 stars; one submission).

Conditions:
Hereditary cancer-predisposing syndrome. Also called: Neoplastic Syndromes, Hereditary; Tumor predisposition; Hereditary Cancer Syndrome; Hereditary neoplastic syndrome. Identifiers: Orphanet 140162, MedGen C0027672, MeSH D009386, MONDO:0015356.

Submission:

Ambry Genetics
Classification: Uncertain significance for Hereditary cancer-predisposing syndrome. Last evaluated: 2025-02-26. Review status: criteria provided, single submitter. Criteria: Ambry Variant Classification Scheme 2023. Collection method: clinical testing. Allele origin: germline.
Comment: The c.-3G>C variant is located in the 5' untranslated region (5&rsquo; UTR) of the RAD51C gene. This variant results from a G to C substitution 3 bases upstream from the first translated codon. This nucleotide position is well conserved in available vertebrate species. Based on the available evidence, the clinical significance of this variant remains unclear.

NM_058216.3(RAD51C):c.-3G>C

Gene: RAD51C (RAD51 paralog C; plus strand). Cytogenetic location: 17q22.
Variant type: single nucleotide variant.
Coding change: c.-3G>C on transcript NM_058216.3 (MANE Select); 3 bases upstream of the start codon, G replaced by C.
Molecular consequence: 5 prime UTR variant. On other transcripts: non-coding transcript variant (2).
Genome position (GRCh38, 1-based): chr17:58,692,641, G>C. VCF-style: chr17-58692641-G-C. GRCh37 (hg19) VCF-style: chr17-56770002-G-C.
Other names: c.-3G>C (NM_002876.4, NM_058217.1).
Identifiers: ClinVar variation 1736910 (VCV001736910.3), dbSNP rs864622151, ClinGen allele CA2580094304.